The following is an entry in ClinVar:

ClinVar aggregate classification (germline): Likely pathogenic (1 of 4 stars; one submission).

Conditions:
Cataract 22 multiple types. Also called: CATARACT 22, NUCLEAR, AUTOSOMAL RECESSIVE; CATARACT 22, MULTIPLE TYPES, AUTOSOMAL DOMINANT; Cataract 22. Identifiers: Orphanet 91492, MedGen C1857853, MONDO:0012336, OMIM 609741.

Submissions (2):

First Genomix Gene Laboratory, Genetic Diagnostics Department
Classification: Likely pathogenic for Cataract 22 multiple types. Last evaluated: 2025-01-16. Review status: criteria provided, single submitter. Criteria: ACMG Guidelines, 2015. Collection method: clinical testing. Allele origin: germline. Inheritance: Autosomal recessive inheritance. Affected: no. Observed: 1 variant allele.

Dr. Peter K. Rogan Lab, Western University
No classification provided (evidence only). Condition: Gastric cancer. Review status: no classification provided. Collection method: in vitro. Allele origin: not applicable. Functional consequence: retained intron. Not counted in ClinVar's aggregate classification.

NM_004076.5(CRYBB3):c.470+1G>A

Gene: CRYBB3 (crystallin beta B3; plus strand). Cytogenetic location: 22q11.23.
Variant type: single nucleotide variant.
Coding change: c.470+1G>A on transcript NM_004076.5 (MANE Select); the canonical splice donor site of the intron after coding-DNA position 470, G replaced by A.
Molecular consequence: splice donor variant.
Genome position (GRCh38, 1-based): chr22:25,205,363, G>A. VCF-style: chr22-25205363-G-A. GRCh37 (hg19) VCF-style: chr22-25601330-G-A.
Other names: NC_000022.10:g.25601330G>A.
Identifiers: ClinVar variation 4456860 (VCV004456860.2).